The following is an entry in ClinVar:

ClinVar aggregate classification (germline): Uncertain significance. Review status: criteria provided, multiple submitters, no conflicts (2 of 4 stars). 2 submissions from 2 submitters: Uncertain significance (2). Last evaluated 2025-12-11.

Conditions:
Inborn genetic diseases. Identifiers: MedGen C0950123, MeSH D030342.

Allele frequency attached by ClinVar (database versions not stated): gnomAD 0.00001; gnomAD exomes 0.00001; TOPMed 0.00006.

Submissions (2):

Ambry Genetics
Classification: Uncertain significance for Inborn genetic diseases. Last evaluated: 2025-12-11. Review status: criteria provided, single submitter. Criteria: Ambry Variant Classification Scheme 2023. Collection method: clinical testing. Allele origin: germline.

Labcorp Genetics (formerly Invitae), Labcorp
Classification: Uncertain significance. Last evaluated: 2022-06-30. Review status: criteria provided, single submitter. Criteria: Invitae Variant Classification Sherloc (09022015). Collection method: clinical testing. Allele origin: germline.
Comment: In summary, the available evidence is currently insufficient to determine the role of this variant in disease. Therefore, it has been classified as a Variant of Uncertain Significance. Algorithms developed to predict the effect of missense changes on protein structure and function (SIFT, PolyPhen-2, Align-GVGD) all suggest that this variant is likely to be tolerated. This variant has not been reported in the literature in individuals affected with ARFGEF2-related conditions. This variant is present in population databases (no rsID available, gnomAD 0.003%). This sequence change replaces serine, which is neutral and polar, with asparagine, which is neutral and polar, at codon 240 of the ARFGEF2 protein (p.Ser240Asn).

NM_006420.3(ARFGEF2):c.719G>A (p.Ser240Asn)

Gene: ARFGEF2 (ARF guanine nucleotide exchange factor 2; plus strand). Cytogenetic location: 20q13.13.
Variant type: single nucleotide variant.
Coding change: c.719G>A on transcript NM_006420.3 (MANE Select); coding-DNA position 719, G replaced by A.
Protein change: p.Ser240Asn; replaces serine 240 with asparagine.
Molecular consequence: missense variant.
Genome position (GRCh38, 1-based): chr20:48,953,671, G>A. VCF-style: chr20-48953671-G-A. GRCh37 (hg19) VCF-style: chr20-47570208-G-A.
Other names: c.719G>A, p.Ser240Asn (NM_001410846.1); c.719G>A (NM_006420.2); short protein forms S240N.
Identifiers: ClinVar variation 2194773 (VCV002194773.5), dbSNP rs1050288163, ClinGen allele CA315902417.